The following is an entry in ClinVar:

ClinVar aggregate classification (germline): Conflicting classifications of pathogenicity. Review status: criteria provided, conflicting classifications (1 of 4 stars). 4 submissions from 4 submitters: Uncertain significance (1); Likely benign (3). Last evaluated 2025-10-23.

Conditions:
HK1-related disorder. Also called: HK1-related disorders; HK1-related condition.
Inborn genetic diseases. Identifiers: MedGen C0950123, MeSH D030342.

Allele frequency attached by ClinVar (database versions not stated): gnomAD 0.00001; TOPMed 0.00002; gnomAD exomes 0.00003 and 0.00007; ExAC 0.00007.

Submissions (4):

Labcorp Genetics (formerly Invitae), Labcorp
Classification: Likely benign. Last evaluated: 2025-10-23. Review status: criteria provided, single submitter. Criteria: Invitae Variant Classification Sherloc (09022015). Collection method: clinical testing. Allele origin: germline.

PreventionGenetics, part of Exact Sciences
Classification: Likely benign for HK1-related condition. Last evaluated: 2025-05-24. Review status: criteria provided, single submitter. Criteria: ACMG Guidelines, 2015. Collection method: clinical testing. Allele origin: germline.
Comment: This variant is classified as likely benign based on ACMG/AMP sequence variant interpretation guidelines (Richards et al. 2015 PMID: 25741868, with internal and published modifications).

ARUP Laboratories, Molecular Genetics and Genomics, ARUP Laboratories
Classification: Likely benign. Last evaluated: 2023-02-22. Review status: criteria provided, single submitter. Criteria: ARUP Molecular Germline Variant Investigation Process 2024. Collection method: clinical testing. Allele origin: germline.

Ambry Genetics
Classification: Uncertain significance for Inborn genetic diseases. Last evaluated: 2021-10-07. Review status: criteria provided, single submitter. Criteria: Ambry Variant Classification Scheme 2023. Collection method: clinical testing. Allele origin: germline.
Comment: Unlikely to be causative of HK1-related neurodevelopmental disorder (AD) Based on insufficient or conflicting evidence, the clinical significance of this alteration remains unclear.

NM_000188.3(HK1):c.2610-5T>C

Gene: HK1 (hexokinase 1; plus strand). Cytogenetic location: 10q22.1.
Variant type: single nucleotide variant.
Coding change: c.2610-5T>C on transcript NM_000188.3 (MANE Select); 5 bases into the intron before coding-DNA position 2610, T replaced by C.
Molecular consequence: intron variant.
Genome position (GRCh38, 1-based): chr10:69,400,986, T>C. VCF-style: chr10-69400986-T-C. GRCh37 (hg19) VCF-style: chr10-71160742-T-C.
Other names: c.2574-5T>C (NM_033500.2); c.2715-5T>C (NM_001322365.2); c.2622-5T>C (NM_033498.3, NM_033497.3, NM_001322364.2 and 1 more transcripts); c.2607-5T>C (NM_033496.3); c.2526-5T>C (NM_001322366.1); c.2514-5T>C (NM_001322367.1); c.2610-5T>C (NM_000188.2).
Identifiers: ClinVar variation 1391098 (VCV001391098.11), dbSNP rs772324426, ClinGen allele CA5532906.